The following is an entry in ClinVar:

NM_001142864.4(PIEZO1):c.2232T>G (p.His744Gln)

Genes: PIEZO1 (piezo type mechanosensitive ion channel component 1 (Er blood group); minus strand), HSALR1 (HSP90AB1 associated lncRNA 1; plus strand). Cytogenetic location: 16q24.3.
Variant type: single nucleotide variant.
Coding change: c.2232T>G on transcript NM_001142864.4 (MANE Select); coding-DNA position 2232, T replaced by G.
Protein change: p.His744Gln; replaces histidine 744 with glutamine.
Molecular consequence: missense variant.
Genome position (GRCh38, 1-based): chr16:88,734,003, A>C on the plus strand (T>G on the coding strand, the complement: PIEZO1 is on the minus strand). VCF-style: chr16-88734003-A-C. GRCh37 (hg19) VCF-style: chr16-88800411-A-C.
Other names: short protein forms H744Q.
Identifiers: ClinVar variation 4685744 (VCV004685744.1).

ClinVar aggregate classification (germline): Uncertain significance (1 of 4 stars; one submission).

Submission:

ARUP Laboratories, Molecular Genetics and Genomics, ARUP Laboratories
Classification: Uncertain significance. Last evaluated: 2025-04-09. Review status: criteria provided, single submitter. Criteria: ARUP Molecular Germline Variant Investigation Process 2024. Collection method: clinical testing. Allele origin: germline.
Comment: The PIEZO1 c.2232T>G; p.His744Gln variant (rs369862544), to our knowledge, is not reported in the medical literature or gene specific databases. This variant is found in the general population with an overall allele frequency of 0.0061% (9/146808 alleles) in the Genome Aggregation Database (v2.1.1). Computational analyses predict that this variant is neutral (REVEL: 0.032). Due to conflicting information, the clinical significance of this variant is uncertain at this time.